The following is an entry in ClinVar:

ClinVar aggregate classification (germline): Uncertain significance. Review status: criteria provided, multiple submitters, no conflicts (2 of 4 stars). 2 submissions from 2 submitters: Uncertain significance (2). Last evaluated 2023-06-01.

Allele frequency attached by ClinVar (database versions not stated): ExAC 0.00001; gnomAD exomes 0.00001.
gnomAD v4.1: 8 of 1,614,080 alleles (0.0005%); highest among the groups gnomAD compares: African/African-American, 0.0013%; no homozygotes.

Submissions (2):

GeneDx
Classification: Uncertain significance. Last evaluated: 2023-06-01. Review status: criteria provided, single submitter. Criteria: GeneDx Variant Classification Process June 2021. Collection method: clinical testing. Allele origin: germline. Affected: yes.
Comment: In silico analysis supports that this missense variant has a deleterious effect on protein structure/function; Has not been previously published as pathogenic or benign to our knowledge

Labcorp Genetics (formerly Invitae), Labcorp
Classification: Uncertain significance. Last evaluated: 2021-12-13. Review status: criteria provided, single submitter. Criteria: Invitae Variant Classification Sherloc (09022015). Collection method: clinical testing. Allele origin: germline.
Comment: This sequence change replaces arginine, which is basic and polar, with tryptophan, which is neutral and slightly polar, at codon 1661 of the CAD protein (p.Arg1661Trp). This variant is present in population databases (rs774531248, gnomAD 0.004%). This variant has not been reported in the literature in individuals affected with CAD-related conditions. Algorithms developed to predict the effect of missense changes on protein structure and function are either unavailable or do not agree on the potential impact of this missense change (SIFT: "Deleterious"; PolyPhen-2: "Probably Damaging"; Align-GVGD: "Class C0"). In summary, the available evidence is currently insufficient to determine the role of this variant in disease. Therefore, it has been classified as a Variant of Uncertain Significance.

NM_004341.5(CAD):c.4981C>T (p.Arg1661Trp)

Gene: CAD (carbamoyl-phosphate synthetase 2, aspartate transcarbamylase, and dihydroorotase; plus strand). Cytogenetic location: 2p23.3.
Variant type: single nucleotide variant.
Coding change: c.4981C>T on transcript NM_004341.5 (MANE Select); coding-DNA position 4981, C replaced by T.
Protein change: p.Arg1661Trp; replaces arginine 1661 with tryptophan.
Molecular consequence: missense variant.
Genome position (GRCh38, 1-based): chr2:27,238,551, C>T. VCF-style: chr2-27238551-C-T. GRCh37 (hg19) VCF-style: chr2-27461419-C-T.
Other names: c.4792C>T, p.Arg1598Trp (NM_001306079.2); c.4981C>T (NM_004341.3); short protein forms R1598W, R1661W.
Identifiers: ClinVar variation 1520293 (VCV001520293.4), dbSNP rs774531248, ClinGen allele CA1573713.
Genomic context (GRCh38, chr2:27,238,551, plus strand): 5'-CACCACCTGTTCCTAAGCCATGATGACCTGGAGCGCCTGGGGCCTGGGAAGGGGGAGGTC[C>T]GGCCTGAGCTTGGCTCCCGCCAGGATGTGGAAGCCCTGTGGGAGAACATGGCTGTCATCG-3'
Protein context (NP_004332.2, residues 1651-1671): ERLGPGKGEV[Arg1661Trp]PELGSRQDVE